The following is an entry in ClinVar:

NM_001080467.3(MYO5B):c.1856C>A (p.Pro619His)

Gene: MYO5B (myosin VB; minus strand). Cytogenetic location: 18q21.1.
Variant type: single nucleotide variant.
Coding change: c.1856C>A on transcript NM_001080467.3 (MANE Select); coding-DNA position 1856, C replaced by A.
Protein change: p.Pro619His; replaces proline 619 with histidine.
Molecular consequence: missense variant.
Genome position (GRCh38, 1-based): chr18:49,937,294, G>T on the plus strand (C>A on the coding strand, the complement: MYO5B is on the minus strand). VCF-style: chr18-49937294-G-T. GRCh37 (hg19) VCF-style: chr18-47463664-G-T.
Other names: short protein forms P619H.
Identifiers: ClinVar variation 4996273 (VCV004996273.1).
Genomic context (GRCh38, chr18:49,937,294, plus strand): 5'-CCGGGGCTGACCTGGTGGCCAACGGTTTTCTTGTGCTCCTTGTTGGAGACTTTCATGGGG[G>T]GTCTGGCAGAACGGACGCTGATCTTCGAAGATGACCCCTTCCCAGGGGTGGTGGCAGGAA-3'
Protein context (NP_001073936.1, residues 609-629): SSKISVRSAR[Pro619His]PMKVSNKEHK

ClinVar aggregate classification (germline): Uncertain significance (1 of 4 stars; one submission).

Conditions:
MYO5B-related disorder. Also called: MYO5B-related condition.

Submission:

PreventionGenetics, part of Exact Sciences
Classification: Uncertain significance for MYO5B-related condition. Last evaluated: 2026-07-10. Review status: criteria provided, single submitter. Criteria: ACMG Guidelines, 2015. Collection method: clinical testing. Allele origin: germline.
Comment: The MYO5B c.1856C>A variant is predicted to result in the amino acid substitution p.Pro619His. To our knowledge, this variant has not been reported in the literature or in a large population database (gnomAD), indicating this variant is rare. At this time, the clinical significance of this variant is uncertain due to the absence of conclusive functional and genetic evidence.